The following is an entry in ClinVar:

ClinVar aggregate classification (germline): Uncertain significance. Review status: criteria provided, multiple submitters, no conflicts (2 of 4 stars). 2 submissions from 2 submitters: Uncertain significance (2). Last evaluated 2024-03-22.

Conditions:
Hereditary cancer-predisposing syndrome. Also called: Hereditary neoplastic syndrome; Neoplastic Syndromes, Hereditary; Hereditary Cancer Syndrome; Tumor predisposition. Identifiers: Orphanet 140162, MedGen C0027672, MeSH D009386, MONDO:0015356.
Pheochromocytoma. Also called: MAX-Related Hereditary Paraganglioma-Pheochromocytoma Syndrome. Identifiers: Orphanet 29072, MedGen C0031511, MONDO:0008233, OMIM 171300, HP:0002666.
Paragangliomas with sensorineural hearing loss. Identifiers: MedGen C1868633.
Cowden syndrome 3 (CWS3). Identifiers: Orphanet 201, MedGen CN166604, MONDO:0014045.
Carney-Stratakis syndrome. Also called: PARAGANGLIOMA AND GASTROINTESTINAL STROMAL TUMOR. Identifiers: Orphanet 97286, MedGen C1847319, MONDO:0011740, OMIM 606864.

gnomAD v4.1: 1 of 1,614,160 alleles (0.000062%); highest among the groups gnomAD compares: Non-Finnish European, 0.000085%; no homozygotes.

Submissions (2):

Ambry Genetics
Classification: Uncertain significance for Hereditary cancer-predisposing syndrome. Last evaluated: 2024-03-22. Review status: criteria provided, single submitter. Criteria: Ambry Variant Classification Scheme 2023. Collection method: clinical testing. Allele origin: germline.
Comment: The c.52+5G>C intronic variant results from a G to C substitution 5 nucleotides after coding exon 1 in the SDHD gene. This nucleotide position is highly conserved in available vertebrate species. In silico splice site analysis predicts that this alteration may weaken the native splice donor site and will result in the creation or strengthening of a novel splice donor site; however, direct evidence is insufficient at this time (Ambry internal data). Based on the available evidence, the clinical significance of this alteration remains unclear.

Labcorp Genetics (formerly Invitae), Labcorp
Classification: Uncertain significance for Carney-Stratakis syndrome; Paragangliomas with sensorineural hearing loss; Pheochromocytoma; Cowden syndrome 3. Last evaluated: 2023-12-22. Review status: criteria provided, single submitter. Criteria: Invitae Variant Classification Sherloc (09022015). Collection method: clinical testing. Allele origin: germline.
Comment: This sequence change falls in intron 1 of the SDHD gene. It does not directly change the encoded amino acid sequence of the SDHD protein. It affects a nucleotide within the consensus splice site. This variant is not present in population databases (gnomAD no frequency). This variant has not been reported in the literature in individuals affected with SDHD-related conditions. ClinVar contains an entry for this variant (Variation ID: 659200). Variants that disrupt the consensus splice site are a relatively common cause of aberrant splicing (PMID: 17576681, 9536098). Algorithms developed to predict the effect of sequence changes on RNA splicing suggest that this variant may disrupt the consensus splice site. In summary, the available evidence is currently insufficient to determine the role of this variant in disease. Therefore, it has been classified as a Variant of Uncertain Significance.

Literature cited by the submitters: PubMed 17576681 (cited by Labcorp Genetics (formerly Invitae), Labcorp); PubMed 9536098 (cited by Labcorp Genetics (formerly Invitae), Labcorp).

NM_003002.4(SDHD):c.52+5G>C

Genes: SDHD (succinate dehydrogenase complex subunit D; plus strand), LOC126861339 (BRD4-independent group 4 enhancer GRCh37_chr11:111957035-111958234; plus strand). Cytogenetic location: 11q23.1.
Variant type: single nucleotide variant.
Coding change: c.52+5G>C on transcript NM_003002.4 (MANE Select); 5 bases into the intron after coding-DNA position 52, G replaced by C.
Molecular consequence: intron variant.
Genome position (GRCh38, 1-based): chr11:112,086,964, G>C. VCF-style: chr11-112086964-G-C. GRCh37 (hg19) VCF-style: chr11-111957688-G-C.
Other names: c.52+5G>C (NM_001276506.2, NM_001276503.2, NM_001276504.2).
Identifiers: ClinVar variation 659200 (VCV000659200.11), dbSNP rs1592777393, ClinGen allele CA915947742.